The following is an entry in ClinVar:

NM_001194998.2(CEP152):c.2082A>C (p.Leu694Phe)

Gene: CEP152 (centrosomal protein 152; minus strand). Cytogenetic location: 15q21.1.
Variant type: single nucleotide variant.
Coding change: c.2082A>C on transcript NM_001194998.2 (MANE Select); coding-DNA position 2082, A replaced by C.
Protein change: p.Leu694Phe; replaces leucine 694 with phenylalanine.
Molecular consequence: missense variant.
Genome position (GRCh38, 1-based): chr15:48,767,400, T>G on the plus strand (A>C on the coding strand, the complement: CEP152 is on the minus strand). VCF-style: chr15-48767400-T-G. GRCh37 (hg19) VCF-style: chr15-49059597-T-G.
Other names: c.2082A>C, p.Leu694Phe (NM_014985.4); c.2082A>C (NM_014985.3); short protein forms L694F.
Identifiers: ClinVar variation 1399915 (VCV001399915.6), dbSNP rs190580372, ClinGen allele CA7548666.

ClinVar aggregate classification (germline): Uncertain significance. Review status: criteria provided, multiple submitters, no conflicts (2 of 4 stars). 2 submissions from 2 submitters: Uncertain significance (2). Last evaluated 2022-12-19.

Conditions:
Inborn genetic diseases. Identifiers: MedGen C0950123, MeSH D030342.

Allele frequency attached by ClinVar (database versions not stated): gnomAD exomes below 0.00001 and 0.00003; gnomAD 0.00001; TOPMed 0.00001; ExAC 0.00002; 1000 Genomes Project 30x 0.00016.
gnomAD v4.1: 5 of 1,614,192 alleles (0.00031%); highest among the groups gnomAD compares: East Asian, 0.011%; no homozygotes.

Submissions (2):

Ambry Genetics
Classification: Uncertain significance for Inborn genetic diseases. Last evaluated: 2022-12-19. Review status: criteria provided, single submitter. Criteria: Ambry Variant Classification Scheme 2023. Collection method: clinical testing. Allele origin: germline.

Labcorp Genetics (formerly Invitae), Labcorp
Classification: Uncertain significance. Last evaluated: 2021-09-24. Review status: criteria provided, single submitter. Criteria: Invitae Variant Classification Sherloc (09022015). Collection method: clinical testing. Allele origin: germline.
Comment: This sequence change replaces leucine with phenylalanine at codon 694 of the CEP152 protein (p.Leu694Phe). The leucine residue is moderately conserved and there is a small physicochemical difference between leucine and phenylalanine. This variant is present in population databases (rs190580372, ExAC 0.03%). This variant has not been reported in the literature in individuals with CEP152-related conditions. Algorithms developed to predict the effect of missense changes on protein structure and function are either unavailable or do not agree on the potential impact of this missense change (SIFT: "Tolerated"; PolyPhen-2: "Possibly Damaging"; Align-GVGD: "Class C0"). In summary, the available evidence is currently insufficient to determine the role of this variant in disease. Therefore, it has been classified as a Variant of Uncertain Significance.